The following is an entry in ClinVar:

ClinVar aggregate classification (germline): Benign/Likely benign. Review status: criteria provided, multiple submitters, no conflicts (2 of 4 stars). 9 submissions from 9 submitters: Benign (5); Likely benign (3). 1 of the submissions does not count toward it. Last evaluated 2026-02-02.

Conditions:
Autosomal recessive nonsyndromic hearing loss 9. Also called: OTOF-Related Hearing Loss; AUDITORY NEUROPATHY, AUTOSOMAL RECESSIVE, 1, TEMPERATURE-SENSITIVE; NEUROSENSORY NONSYNDROMIC RECESSIVE DEAFNESS 9; Deafness, autosomal recessive 9. Identifiers: Orphanet 90636, MedGen C1832828, MONDO:0010986, OMIM 601071.

Allele frequency attached by ClinVar (database versions not stated): gnomAD 0.01544 and 0.01576; 1000 Genomes Project 30x 0.02436; gnomAD exomes 0.03010; ESP Exome Variant Server 0.00338; TOPMed 0.01417; ExAC 0.02459; 1000 Genomes Project 0.02476.
gnomAD v4.1: 17,962 of 1,614,250 alleles (1.1%); highest among the groups gnomAD compares: Admixed American, 9.1%; 664 homozygotes.

Submissions (9):

Labcorp Genetics (formerly Invitae), Labcorp
Classification: Benign. Last evaluated: 2026-02-02. Review status: criteria provided, single submitter. Criteria: Invitae Variant Classification Sherloc (09022015). Collection method: clinical testing. Allele origin: germline.

Athena Diagnostics
Classification: Benign. Last evaluated: 2018-08-31. Review status: criteria provided, single submitter. Criteria: Athena Diagnostics Criteria. Collection method: clinical testing. Allele origin: germline.

Illumina Laboratory Services, Illumina
Classification: Likely benign for Autosomal recessive nonsyndromic hearing loss 9. Last evaluated: 2018-01-12. Review status: criteria provided, single submitter. Criteria: ICSL Variant Classification Criteria 13 December 2019. Collection method: clinical testing. Allele origin: germline.
Comment: This variant was observed in the ICSL laboratory as part of a predisposition screen in an ostensibly healthy population. It had not been previously curated by ICSL or reported in the Human Gene Mutation Database (HGMD: prior to June 1st, 2018), and was therefore a candidate for classification through an automated scoring system. Utilizing variant allele frequency, disease prevalence and penetrance estimates, and inheritance mode, an automated score was calculated to assess if this variant is too frequent to cause the disease. Based on the score and internal cut-off values, a variant classified as likely benign is not then subjected to further curation. The score for this variant resulted in a classification of likely benign for this disease.

GeneDx
Classification: Benign. Last evaluated: 2017-09-26. Review status: criteria provided, single submitter. Criteria: GeneDx Variant Classification (06012015). Collection method: clinical testing. Allele origin: germline. Affected: yes.
Comment: This variant is considered likely benign or benign based on one or more of the following criteria: it is a conservative change, it occurs at a poorly conserved position in the protein, it is predicted to be benign by multiple in silico algorithms, and/or has population frequency not consistent with disease.

Eurofins Ntd Llc (ga)
Classification: Benign. Last evaluated: 2014-10-16. Review status: criteria provided, single submitter. Criteria: EGL Classification Definitions 2015. Collection method: clinical testing. Allele origin: germline. Observed: 2 variant alleles, 1 heterozygote, 1 homozygote.

Laboratory for Molecular Medicine, Mass General Brigham Personalized Medicine
Classification: Benign. Last evaluated: 2010-07-26. Review status: criteria provided, single submitter. Criteria: LMM Criteria. Collection method: clinical testing. Allele origin: germline. Observed: 80 variant alleles.
Comment: This variant is not expected to have clinical significance because it does not a lter an amino acid residue, is not located near a splice junction, and is report ed as a benign polymorphism (Varga 2006, Smith 2008).

Breakthrough Genomics
Classification: Likely benign. Review status: criteria provided, single submitter. Criteria: ACMG Guidelines, 2015. Collection method: not provided. Allele origin: germline. Inheritance: Autosomal recessive inheritance. Affected: yes.

PreventionGenetics, part of Exact Sciences
Classification: Likely benign. Review status: criteria provided, single submitter. Criteria: ACMG Guidelines, 2015. Collection method: clinical testing. Allele origin: germline.

GeneReviews
No classification provided. Condition: Autosomal recessive nonsyndromic hearing loss 9. Review status: no classification provided. Collection method: literature only. Allele origin: unknown. Not counted in ClinVar's aggregate classification.

Literature cited by the submitters: PubMed 16371502 (cited by Laboratory for Molecular Medicine, Mass General Brigham Personalized Medicine); PubMed 20301429 (cited by GeneReviews); NCBI Bookshelf NBK1251 (cited by GeneReviews).

NM_194248.3(OTOF):c.4767C>T (p.Arg1589=)

Gene: OTOF (otoferlin; minus strand). Cytogenetic location: 2p23.3.
Variant type: single nucleotide variant.
Coding change: c.4767C>T on transcript NM_194248.3 (MANE Select); coding-DNA position 4767, C replaced by T.
Protein change: p.Arg1589=; no amino-acid change (arginine 1589 retained).
Molecular consequence: synonymous variant.
Genome position (GRCh38, 1-based): chr2:26,465,704, G>A on the plus strand (C>T on the coding strand, the complement: OTOF is on the minus strand). VCF-style: chr2-26465704-G-A. GRCh37 (hg19) VCF-style: chr2-26688572-G-A.
Other names: c.4767C>T, p.Arg1589= (NM_001287489.2); c.2466C>T, p.Arg822= (NM_004802.4, NM_194323.3); c.2697C>T, p.Arg899= (NM_194322.3).
Identifiers: ClinVar variation 21854 (VCV000021854.25), dbSNP rs80356578, ClinGen allele CA142899.